The following is an entry in ClinVar:

NM_032607.3(CREB3L3):c.306dup (p.Arg103fs)

Gene: CREB3L3 (cAMP responsive element binding protein 3 like 3; plus strand). Cytogenetic location: 19p13.3.
Variant type: Duplication.
Coding change: c.306dup on transcript NM_032607.3 (MANE Select); coding-DNA position 306, one base duplicated (A; older notation c.306dupA).
Protein change: p.Arg103fs; shifts the reading frame from arginine 103.
Molecular consequence: frameshift variant.
Genome position (GRCh38, 1-based): chr19:4,157,144, A duplicated. VCF-style (leftmost placement, unchanged base first): chr19-4157143-C-CA. GRCh37 (hg19) VCF-style: chr19-4157140-C-CA.
Other names: c.303dup, p.Arg102fs (NM_001271995.2); c.306dup, p.Arg103fs (NM_001271996.2, NM_001271997.2); short protein forms R103fs, R102fs.
Identifiers: ClinVar variation 2967187 (VCV002967187.3), dbSNP rs748629190, ClinGen allele CA9091263.

ClinVar aggregate classification (germline): Pathogenic (1 of 4 stars; one submission).

Allele frequency attached by ClinVar (database versions not stated): gnomAD 0.00001; TOPMed 0.00001; ExAC 0.00002; gnomAD exomes 0.00005.

Submission:

Labcorp Genetics (formerly Invitae), Labcorp
Classification: Pathogenic. Last evaluated: 2023-07-19. Review status: criteria provided, single submitter. Criteria: Invitae Variant Classification Sherloc (09022015). Collection method: clinical testing. Allele origin: germline.
Comment: This sequence change creates a premature translational stop signal (p.Arg103Thrfs*43) in the CREB3L3 gene. It is expected to result in an absent or disrupted protein product. Loss-of-function variants in CREB3L3 are known to be pathogenic (PMID: 21666694, 26427795). This variant is present in population databases (rs748629190, gnomAD 0.003%). This variant has not been reported in the literature in individuals affected with CREB3L3-related conditions. For these reasons, this variant has been classified as Pathogenic.

Literature cited by the submitters: PubMed 21666694; PubMed 26427795.